The following is an entry in ClinVar:

NM_022970.4(FGFR2):c.993C>T (p.Thr331=)

Gene: FGFR2 (fibroblast growth factor receptor 2; minus strand). Cytogenetic location: 10q26.13.
Variant type: single nucleotide variant.
Coding change: c.993C>T on transcript NM_022970.4 (MANE Plus Clinical); coding-DNA position 993, C replaced by T.
Protein change: p.Thr331=; no amino-acid change (threonine 331 retained).
Molecular consequence: synonymous variant. On other transcripts: non-coding transcript variant (1), intron variant (12).
Genome position (GRCh38, 1-based): chr10:121,518,776, G>A on the plus strand (C>T on the coding strand, the complement: FGFR2 is on the minus strand). VCF-style: chr10-121518776-G-A. GRCh37 (hg19) VCF-style: chr10-123278290-G-A.
Other names: c.993C>T, p.Thr331= (NM_001144913.1, NM_001441087.1); c.726C>T, p.Thr242= (NM_001144919.2, NM_001441088.1); c.749-3457C>T (NM_001144914.1); c.594+1203C>T (NM_001144918.2, NM_001441091.1, NM_001441090.1 and 1 more transcripts); c.672+1203C>T (NM_001441089.1, NM_023029.3, NM_001144915.2); c.939+1203C>T (NM_001144917.2, NM_001320658.2, NM_000141.5); c.255+1203C>T (NM_001320654.2).
Identifiers: ClinVar variation 3042515 (VCV003042515.2), dbSNP rs752595302, ClinGen allele CA5720936.

ClinVar aggregate classification (germline): Likely benign (0 of 4 stars; one submission).

Conditions:
FGFR2-related disorder. Identifiers: MedGen CN380096.

Allele frequency attached by ClinVar (database versions not stated): gnomAD 0.00005; TOPMed 0.00009; ExAC 0.00023.
gnomAD v4.1: 98 of 1,613,970 alleles (0.0061%); highest among the groups gnomAD compares: Admixed American, 0.14%; 3 homozygotes.

Submission:

PreventionGenetics, part of Exact Sciences
Classification: Likely benign for FGFR2-related condition. Last evaluated: 2019-07-01. Review status: no assertion criteria provided. Collection method: clinical testing. Allele origin: germline.
Comment: This variant is classified as likely benign based on ACMG/AMP sequence variant interpretation guidelines (Richards et al. 2015 PMID: 25741868, with internal and published modifications).